The following is an entry in ClinVar:

NM_001042492.3(NF1):c.3290A>G (p.Glu1097Gly)

Gene: NF1 (neurofibromin 1; plus strand). Cytogenetic location: 17q11.2.
Variant type: single nucleotide variant.
Coding change: c.3290A>G on transcript NM_001042492.3 (MANE Select); coding-DNA position 3290, A replaced by G.
Protein change: p.Glu1097Gly; replaces glutamic acid 1097 with glycine.
Molecular consequence: missense variant.
Genome position (GRCh38, 1-based): chr17:31,232,165, A>G. VCF-style: chr17-31232165-A-G. GRCh37 (hg19) VCF-style: chr17-29559183-A-G.
Other names: c.3290A>G, p.Glu1097Gly (NM_000267.4); short protein forms E1097G.
Identifiers: ClinVar variation 2710192 (VCV002710192.3), dbSNP rs2508224894, ClinGen allele CA398988889.
Genomic context (GRCh38, chr17:31,232,165, plus strand): 5'-TTTCACTTCTAGCTGGTCTCCCTCTGCAGCCTGAAGAAGGAGATGGTGTGGAATTGATGG[A>G]AGCCAAATCACAGTTATTTCTTAAGTAAATTTCAGTCACCAAAAAACATAAAGCAAAAAG-3'
Protein context (NP_001035957.1, residues 1087-1107): PEEGDGVELM[Glu1097Gly]AKSQLFLKYF

ClinVar aggregate classification (germline): Uncertain significance (1 of 4 stars; one submission).

Conditions:
Neurofibromatosis, type 1 (NF1). Also called: Peripheral type neurofibromatosis; VON RECKLINGHAUSEN DISEASE; NEUROFIBROMATOSIS, TYPE I, SOMATIC; Neurofibromatosis, type I. Identifiers: Orphanet 636, MedGen C0027831, MONDO:0018975, OMIM 162200. Disease mechanism: loss of function.

Submission:

Labcorp Genetics (formerly Invitae), Labcorp
Classification: Uncertain significance for Neurofibromatosis, type 1. Last evaluated: 2024-01-19. Review status: criteria provided, single submitter. Criteria: Invitae Variant Classification Sherloc (09022015). Collection method: clinical testing. Allele origin: germline.
Comment: This sequence change replaces glutamic acid, which is acidic and polar, with glycine, which is neutral and non-polar, at codon 1097 of the NF1 protein (p.Glu1097Gly). This variant is not present in population databases (gnomAD no frequency). This variant has not been reported in the literature in individuals affected with NF1-related conditions. Advanced modeling of protein sequence and biophysical properties (such as structural, functional, and spatial information, amino acid conservation, physicochemical variation, residue mobility, and thermodynamic stability) has been performed at Invitae for this missense variant, however the output from this modeling did not meet the statistical confidence thresholds required to predict the impact of this variant on NF1 protein function. In summary, the available evidence is currently insufficient to determine the role of this variant in disease. Therefore, it has been classified as a Variant of Uncertain Significance.